The following is an entry in ClinVar:

ClinVar aggregate classification (germline): Likely pathogenic (1 of 4 stars; one submission).

Conditions:
Nephrotic syndrome, IIa 26. Also called: Nephrotic syndrome, type 26. Identifiers: MedGen C5774221, MONDO:0031061, OMIM 620049.

Allele frequency attached by ClinVar (database versions not stated): gnomAD exomes below 0.00001.

Submission:

Lifecell International Pvt. Ltd
Classification: Likely pathogenic for Nephrotic syndrome, IIa 26. Review status: criteria provided, single submitter. Criteria: ACMG Guidelines, 2015. Collection method: clinical testing. Allele origin: germline. Inheritance: Autosomal recessive inheritance. Affected: yes. Observed: 1 compound heterozygote.
Comment: A Heterozygous Frameshift variant c.5071delG in Exon 38 of the LAMA5 gene was identified. The variant resulted in framshift and consequent premature termintation of the protein (p.Glu1691fs*52). The observed variant has a minimum allele frequency of 0.00% in gnomAD exomes and genomes, respectively. The severity of the impact of this variant on the protein is high, based on the effect of the protein and REVEL score . Rare Exome Variant Ensemble Learner (REVEL) is an ensembl method for predicting the pathogenicity of missense variants based on a combination of scores from 13 individual tools: MutPred, FATHMM v2.3, VEST 3.0, PolyPhen-2, SIFT, PROVEAN, MutationAssessor, MutationTaster, LRT, GERP++, SiPhy, phyloP, and phastCons. The REVEL score for an individual missense variant can range from 0 to 1, with higher scores reflecting greater likelihood that the variant is disease- causing. Based on the above evidence this variant has been classified as Likely Pathogenic according to the ACMG guidelines.

NM_005560.6(LAMA5):c.5071del (p.Glu1691fs)

Gene: LAMA5 (laminin subunit alpha 5; minus strand). Cytogenetic location: 20q13.33.
Variant type: Deletion.
Coding change: c.5071del on transcript NM_005560.6 (MANE Select); coding-DNA position 5071, one base deleted (G; older notation c.5071delG).
Protein change: p.Glu1691fs; shifts the reading frame from glutamic acid 1691.
Molecular consequence: frameshift variant.
Genome position (GRCh38, 1-based): chr20:62,327,274, C deleted on the plus strand (G on the coding strand, the reverse complement: LAMA5 is on the minus strand). VCF-style (leftmost placement, unchanged base first): chr20-62327273-TC-T. GRCh37 (hg19) VCF-style: chr20-60902329-TC-T.
Other names: c.5071delG (NM_005560.6); short protein forms E1691fs.
Identifiers: ClinVar variation 2498385 (VCV002498385.2), dbSNP rs2516055830, ClinGen allele CA2580098348.